The following is an entry in ClinVar:

ClinVar aggregate classification (germline): Likely benign. Review status: criteria provided, multiple submitters, no conflicts (2 of 4 stars). 2 submissions from 2 submitters: Likely benign (2). Last evaluated 2022-08-31.

Allele frequency attached by ClinVar (database versions not stated): TOPMed below 0.00001; gnomAD 0.00001.
gnomAD v4.1: 1 of 1,614,028 alleles (0.000062%); highest among the groups gnomAD compares: Non-Finnish European, 0.000085%; no homozygotes.

Submissions (2):

Labcorp Genetics (formerly Invitae), Labcorp
Classification: Likely benign. Last evaluated: 2022-08-31. Review status: criteria provided, single submitter. Criteria: Invitae Variant Classification Sherloc (09022015). Collection method: clinical testing. Allele origin: germline.

GeneDx
Classification: Likely benign. Last evaluated: 2016-10-28. Review status: criteria provided, single submitter. Criteria: GeneDx Variant Classification (06012015). Collection method: clinical testing. Allele origin: germline. Affected: yes.
Comment: This variant is considered likely benign or benign based on one or more of the following criteria: it is a conservative change, it occurs at a poorly conserved position in the protein, it is predicted to be benign by multiple in silico algorithms, and/or has population frequency not consistent with disease.

NM_001851.6(COL9A1):c.1701A>G (p.Ala567=)

Gene: COL9A1 (collagen type IX alpha 1 chain; minus strand). Cytogenetic location: 6q13.
Variant type: single nucleotide variant.
Coding change: c.1701A>G on transcript NM_001851.6 (MANE Select); coding-DNA position 1701, A replaced by G.
Protein change: p.Ala567=; no amino-acid change (alanine 567 retained).
Molecular consequence: synonymous variant. On other transcripts: non-coding transcript variant (1).
Genome position (GRCh38, 1-based): chr6:70,254,494, T>C on the plus strand (A>G on the coding strand, the complement: COL9A1 is on the minus strand). VCF-style: chr6-70254494-T-C. GRCh37 (hg19) VCF-style: chr6-70964197-T-C.
Other names: c.1002A>G, p.Ala334= (NM_001377289.1); c.972A>G, p.Ala324= (NM_001377290.1, NM_078485.4).
Identifiers: ClinVar variation 390327 (VCV000390327.9), dbSNP rs1057523729, ClinGen allele CA16605115.